The following is an entry in ClinVar:

NM_000143.4(FH):c.958G>A (p.Ala320Thr)

Gene: FH (fumarate hydratase; minus strand). Cytogenetic location: 1q43.
Variant type: single nucleotide variant.
Coding change: c.958G>A on transcript NM_000143.4 (MANE Select); coding-DNA position 958, G replaced by A.
Protein change: p.Ala320Thr; replaces alanine 320 with threonine.
Molecular consequence: missense variant.
Genome position (GRCh38, 1-based): chr1:241,504,192, C>T on the plus strand (G>A on the coding strand, the complement: FH is on the minus strand). VCF-style: chr1-241504192-C-T. GRCh37 (hg19) VCF-style: chr1-241667492-C-T.
Other names: short protein forms A320T.
Identifiers: ClinVar variation 1767478 (VCV001767478.8), dbSNP rs766441385, ClinGen allele CA1478566.
Genomic context (GRCh38, chr1:241,504,192, plus strand): 5'-TTGCTATCTTCATCAGACTGCAGGCAGTAGTGTTCATGGCTCCACTGAGCTCAACCAGAG[C>T]GTCATGAGCAGCCAGAGCTTCAAATTTATTCGGAGCAGTGACAAAAGGCAAGCCTAAAGA-3'
Protein context (NP_000134.2, residues 310-330): NKFEALAAHD[Ala320Thr]LVELSGAMNT

ClinVar aggregate classification (germline): Uncertain significance. Review status: criteria provided, multiple submitters, no conflicts (2 of 4 stars). 2 submissions from 2 submitters: Uncertain significance (2). Last evaluated 2025-03-05.

Conditions:
Hereditary cancer-predisposing syndrome. Also called: Hereditary Cancer Syndrome; Hereditary neoplastic syndrome; Neoplastic Syndromes, Hereditary; Tumor predisposition. Identifiers: Orphanet 140162, MedGen C0027672, MeSH D009386, MONDO:0015356.

Allele frequency attached by ClinVar (database versions not stated): ExAC 0.00001; TOPMed 0.00001.
gnomAD v4.1: 10 of 1,614,148 alleles (0.00062%); highest among the groups gnomAD compares: Admixed American, 0.0033%; no homozygotes.

Submissions (2):

Ambry Genetics
Classification: Uncertain significance for Hereditary cancer-predisposing syndrome. Last evaluated: 2025-03-05. Review status: criteria provided, single submitter. Criteria: Ambry Variant Classification Scheme 2023. Collection method: clinical testing. Allele origin: germline.
Comment: The p.A320T variant (also known as c.958G>A), located in coding exon 7 of the FH gene, results from a G to A substitution at nucleotide position 958. The alanine at codon 320 is replaced by threonine, an amino acid with similar properties. This amino acid position is highly conserved in available vertebrate species. In addition, this alteration is predicted to be deleterious by in silico analysis. Based on the available evidence, the clinical significance of this variant remains unclear.

Labcorp Genetics (formerly Invitae), Labcorp
Classification: Uncertain significance. Last evaluated: 2025-02-18. Review status: criteria provided, single submitter. Criteria: Invitae Variant Classification Sherloc (09022015). Collection method: clinical testing. Allele origin: germline.
Comment: This sequence change replaces alanine, which is neutral and non-polar, with threonine, which is neutral and polar, at codon 320 of the FH protein (p.Ala320Thr). This variant is present in population databases (rs766441385, gnomAD 0.006%). This missense change has been observed in individual(s) with features of FH-related conditions (PMID: 30548481). ClinVar contains an entry for this variant (Variation ID: 1767478). Invitae Evidence Modeling of protein sequence and biophysical properties (such as structural, functional, and spatial information, amino acid conservation, physicochemical variation, residue mobility, and thermodynamic stability) has been performed for this missense variant. However, the output from this modeling did not meet the statistical confidence thresholds required to predict the impact of this variant on FH protein function. In summary, the available evidence is currently insufficient to determine the role of this variant in disease. Therefore, it has been classified as a Variant of Uncertain Significance.

Literature cited by the submitters: PubMed 30548481 (cited by Ambry Genetics and Labcorp Genetics (formerly Invitae), Labcorp).